The following is an entry in ClinVar:

ClinVar aggregate classification (germline): Likely benign (1 of 4 stars; one submission).

Submission:

CeGaT Center for Human Genetics Tuebingen
Classification: Likely benign. Last evaluated: 2025-02-01. Review status: criteria provided, single submitter. Criteria: CeGaT Center For Human Genetics Tuebingen Variant Classification Criteria Version 2. Collection method: clinical testing. Allele origin: germline. Affected: yes. Observed: 1 variant allele.
Comment: TNXB: PM2:Supporting, BP4, BP7

NM_001365276.2(TNXB):c.6754C>T (p.Leu2252=)

Gene: TNXB (tenascin XB; minus strand). Cytogenetic location: 6p21.33.
Variant type: single nucleotide variant.
Coding change: c.6754C>T on transcript NM_001365276.2 (MANE Select); coding-DNA position 6754, C replaced by T.
Protein change: p.Leu2252=; no amino-acid change (leucine 2252 retained).
Molecular consequence: synonymous variant.
Genome position (GRCh38, 1-based): chr6:32,064,908, G>A on the plus strand (C>T on the coding strand, the complement: TNXB is on the minus strand). VCF-style: chr6-32064908-G-A. GRCh37 (hg19) VCF-style: chr6-32032685-G-A.
Other names: c.7495C>T, p.Leu2499= (NM_001428335.1); c.6754C>T, p.Leu2252= (NM_019105.8).
Identifiers: ClinVar variation 3772413 (VCV003772413.13).